The following is an entry in ClinVar:

ClinVar aggregate classification (germline): Uncertain significance. Review status: criteria provided, multiple submitters, no conflicts (2 of 4 stars). 2 submissions from 2 submitters: Uncertain significance (2). Last evaluated 2025-09-10.

Conditions:
Inborn genetic diseases. Identifiers: MedGen C0950123, MeSH D030342.
Chédiak-Higashi syndrome (CHS). Also called: Chediak-Higashi Syndrome. Identifiers: Orphanet 167, MedGen C0007965, MONDO:0008963, OMIM 214500.

Allele frequency attached by ClinVar (database versions not stated): ExAC 0.00001; gnomAD 0.00001; gnomAD exomes 0.00001; TOPMed 0.00002; ESP Exome Variant Server 0.00008.
gnomAD v4.1: 13 of 1,613,942 alleles (0.00081%); highest among the groups gnomAD compares: East Asian, 0.0022%; no homozygotes.

Submissions (2):

Labcorp Genetics (formerly Invitae), Labcorp
Classification: Uncertain significance for Chédiak-Higashi syndrome. Last evaluated: 2025-09-10. Review status: criteria provided, single submitter. Criteria: Invitae Variant Classification Sherloc (09022015). Collection method: clinical testing. Allele origin: germline.
Comment: This sequence change replaces threonine, which is neutral and polar, with alanine, which is neutral and non-polar, at codon 3582 of the LYST protein (p.Thr3582Ala). This variant is present in population databases (rs372868836, gnomAD 0.006%). This variant has not been reported in the literature in individuals affected with LYST-related conditions. ClinVar contains an entry for this variant (Variation ID: 2039075). Invitae Evidence Modeling of protein sequence and biophysical properties (such as structural, functional, and spatial information, amino acid conservation, physicochemical variation, residue mobility, and thermodynamic stability) indicates that this missense variant is expected to disrupt LYST protein function with a positive predictive value of 80%. In summary, the available evidence is currently insufficient to determine the role of this variant in disease. Therefore, it has been classified as a Variant of Uncertain Significance.

Ambry Genetics
Classification: Uncertain significance for Inborn genetic diseases. Last evaluated: 2023-04-07. Review status: criteria provided, single submitter. Criteria: Ambry Variant Classification Scheme 2023. Collection method: clinical testing. Allele origin: germline.

NM_000081.4(LYST):c.10744A>G (p.Thr3582Ala)

Gene: LYST (lysosomal trafficking regulator; minus strand). Cytogenetic location: 1q42.3.
Variant type: single nucleotide variant.
Coding change: c.10744A>G on transcript NM_000081.4 (MANE Select); coding-DNA position 10744, A replaced by G.
Protein change: p.Thr3582Ala; replaces threonine 3582 with alanine.
Molecular consequence: missense variant.
Genome position (GRCh38, 1-based): chr1:235,687,005, T>C on the plus strand (A>G on the coding strand, the complement: LYST is on the minus strand). VCF-style: chr1-235687005-T-C. GRCh37 (hg19) VCF-style: chr1-235850305-T-C.
Other names: c.10744A>G (NM_000081.2); c.10744A>G, p.Thr3582Ala (NM_001301365.1); short protein forms T3582A.
Identifiers: ClinVar variation 2039075 (VCV002039075.4), dbSNP rs372868836, ClinGen allele CA1465294.